The following is an entry in ClinVar:

ClinVar aggregate classification (germline): Conflicting classifications of pathogenicity. Review status: criteria provided, conflicting classifications (1 of 4 stars). 3 submissions from 3 submitters: Uncertain significance (2); Benign (1). Last evaluated 2025-08-29.

Conditions:
Inborn genetic diseases. Identifiers: MedGen C0950123, MeSH D030342.
Schuurs-Hoeijmakers syndrome. Also called: PACS1-Related Neurodevelopmental Disorder. Identifiers: Orphanet 329224, MedGen C3554343, MONDO:0014006, OMIM 615009.

Allele frequency attached by ClinVar (database versions not stated): gnomAD 0.00001; gnomAD exomes below 0.00001; TOPMed below 0.00001.
gnomAD v4.1: 3 of 1,613,062 alleles (0.00019%); highest among the groups gnomAD compares: African/African-American, 0.0027%; no homozygotes.

Submissions (3):

Ambry Genetics
Classification: Uncertain significance for Inborn genetic diseases. Last evaluated: 2025-08-29. Review status: criteria provided, single submitter. Criteria: Ambry Variant Classification Scheme 2023. Collection method: clinical testing. Allele origin: germline.

Women's Health and Genetics/Laboratory Corporation of America, LabCorp
Classification: Uncertain significance. Last evaluated: 2024-10-03. Review status: criteria provided, single submitter. Criteria: LabCorp Variant Classification Summary - May 2015. Collection method: clinical testing. Allele origin: germline.
Comment: Variant summary: PACS1 c.2494G>A (p.Gly832Arg) results in a non-conservative amino acid change in the encoded protein sequence. Three of five in-silico tools predict a benign effect of the variant on protein function. The variant was absent in 247662 control chromosomes. The available data on variant occurrences in the general population are insufficient to allow any conclusion about variant significance. To our knowledge, no occurrence of c.2494G>A in individuals affected with Schuurs-Hoeijmakers Syndrome and no experimental evidence demonstrating its impact on protein function have been reported. No submitters have cited clinical-significance assessments for this variant to ClinVar. Based on the evidence outlined above, the variant was classified as uncertain significance.

Labcorp Genetics (formerly Invitae), Labcorp
Classification: Benign for Schuurs-Hoeijmakers syndrome. Last evaluated: 2024-01-02. Review status: criteria provided, single submitter. Criteria: Invitae Variant Classification Sherloc (09022015). Collection method: clinical testing. Allele origin: germline.

NM_018026.4(PACS1):c.2494G>A (p.Gly832Arg)

Gene: PACS1 (phosphofurin acidic cluster sorting protein 1; plus strand). Cytogenetic location: 11q13.2.
Variant type: single nucleotide variant.
Coding change: c.2494G>A on transcript NM_018026.4 (MANE Select); coding-DNA position 2494, G replaced by A.
Protein change: p.Gly832Arg; replaces glycine 832 with arginine.
Molecular consequence: missense variant.
Genome position (GRCh38, 1-based): chr11:66,241,491, G>A. VCF-style: chr11-66241491-G-A. GRCh37 (hg19) VCF-style: chr11-66008962-G-A.
Other names: c.2494G>A (NM_018026.2); short protein forms G832R.
Identifiers: ClinVar variation 2887635 (VCV002887635.5), dbSNP rs1590844551, ClinGen allele CA381381987.